The following is an entry in ClinVar:

NM_000520.6(HEXA):c.1033G>A (p.Gly345Ser)

Gene: HEXA (hexosaminidase subunit alpha; minus strand). Cytogenetic location: 15q23.
Variant type: single nucleotide variant.
Coding change: c.1033G>A on transcript NM_000520.6 (MANE Select); coding-DNA position 1033, G replaced by A.
Protein change: p.Gly345Ser; replaces glycine 345 with serine.
Molecular consequence: missense variant. On other transcripts: non-coding transcript variant (1).
Genome position (GRCh38, 1-based): chr15:72,348,088, C>T on the plus strand (G>A on the coding strand, the complement: HEXA is on the minus strand). VCF-style: chr15-72348088-C-T. GRCh37 (hg19) VCF-style: chr15-72640429-C-T.
Other names: c.1066G>A, p.Gly356Ser (NM_001318825.2); short protein forms G345S, G356S.
Identifiers: ClinVar variation 317044 (VCV000317044.13), dbSNP rs775322979, ClinGen allele CA7644836.
Genomic context (GRCh38, chr15:72,348,088, plus strand): 5'-CACCCTCCTTCCTTCCTCACGTCTGGATGTAGAAGGACTCCAGCTGCTTGAAGTCCTCAC[C>T]GAAGCCTTTCTTCCTCATAAAGTCCTGGATCTCTGGGTTGGACTTCCTGAATCCCAAGAG-3'
Protein context (NP_000511.2, residues 335-355): IQDFMRKKGF[Gly345Ser]EDFKQLESFY

ClinVar aggregate classification (germline): Uncertain significance. Review status: criteria provided, multiple submitters, no conflicts (2 of 4 stars). 4 submissions from 4 submitters: Uncertain significance (2). 2 of the submissions do not count toward it. Last evaluated 2026-02-02.

Conditions:
Tay-Sachs disease (TSD). Also called: HEXA DEFICIENCY; HEXA Disorders; GM2 gangliosidosis, type 1; Hexosaminidase alpha-subunit deficiency (variant B); Sphingolipidosis, Tay-Sachs; Hexosaminidase A Deficiency. Identifiers: Orphanet 845, MedGen C0039373, MONDO:0010100, OMIM 272800.

Allele frequency attached by ClinVar (database versions not stated): gnomAD 0.00001; gnomAD exomes 0.00001 and 0.00002; TOPMed 0.00001; ExAC 0.00002.
gnomAD v4.1: 33 of 1,613,698 alleles (0.002%); highest among the groups gnomAD compares: Middle Eastern, 0.016%; no homozygotes.

Submissions (4):

Women's Health and Genetics/Laboratory Corporation of America, LabCorp
Classification: Uncertain significance. Last evaluated: 2026-02-02. Review status: criteria provided, single submitter. Criteria: LabCorp Variant Classification Summary - May 2015. Collection method: clinical testing. Allele origin: germline.
Comment: Variant summary: HEXA c.1033G>A (p.Gly345Ser) results in a non-conservative amino acid change in the encoded protein sequence. Algorithms developed to predict the effect of missense changes on protein structure and function all suggest that this variant is likely to be disruptive. The variant allele was found at a frequency of 1.2e-05 in 251452 control chromosomes. The available data on variant occurrences in the general population are insufficient to allow any conclusion about variant significance. c.1033G>A has been observed in individual(s) affected with clinical features of Tay-Sachs Disease (Coutelier_2018). These report(s) do not provide unequivocal conclusions about association of the variant with Tay-Sachs Disease. To our knowledge, no experimental evidence demonstrating an impact on protein function has been reported. The following publication has been ascertained in the context of this evaluation (PMID: 29482223). ClinVar contains an entry for this variant (Variation ID: 317044). Based on the evidence outlined above, the variant was classified as uncertain significance.

Labcorp Genetics (formerly Invitae), Labcorp
Classification: Uncertain significance for Tay-Sachs disease. Last evaluated: 2022-02-28. Review status: criteria provided, single submitter. Criteria: Invitae Variant Classification Sherloc (09022015). Collection method: clinical testing. Allele origin: germline.
Comment: This sequence change replaces glycine, which is neutral and non-polar, with serine, which is neutral and polar, at codon 345 of the HEXA protein (p.Gly345Ser). This variant is present in population databases (rs775322979, gnomAD 0.002%). This missense change has been observed in individual(s) with clinical features of ataxia (PMID: 29482223). ClinVar contains an entry for this variant (Variation ID: 317044). Algorithms developed to predict the effect of missense changes on protein structure and function are either unavailable or do not agree on the potential impact of this missense change (SIFT: "Tolerated"; PolyPhen-2: "Probably Damaging"; Align-GVGD: "Class C0"). Algorithms developed to predict the effect of sequence changes on RNA splicing suggest that this variant may disrupt the consensus splice site. In summary, the available evidence is currently insufficient to determine the role of this variant in disease. Therefore, it has been classified as a Variant of Uncertain Significance.

Natera, Inc.
Classification: Uncertain significance for Tay-Sachs disease. Last evaluated: 2019-01-02. Review status: no assertion criteria provided. Collection method: clinical testing. Allele origin: germline. Not counted in ClinVar's aggregate classification.

Counsyl
Classification: Uncertain significance for Tay-Sachs disease. Last evaluated: 2017-11-16. Review status: no assertion criteria provided. Collection method: clinical testing. Allele origin: unknown. Not counted in ClinVar's aggregate classification.

Literature cited by the submitters: PubMed 29482223 (cited by Women's Health and Genetics/Laboratory Corporation of America, LabCorp and Labcorp Genetics (formerly Invitae), Labcorp).